The following is an entry in ClinVar:

NM_015215.4(CAMTA1):c.838del (p.Ser280fs)

Gene: CAMTA1 (calmodulin binding transcription activator 1; plus strand). Cytogenetic location: 1p36.23.
Variant type: Deletion.
Coding change: c.838del on transcript NM_015215.4 (MANE Select); coding-DNA position 838, one base deleted (A; older notation c.838delA).
Protein change: p.Ser280fs; shifts the reading frame from serine 280.
Molecular consequence: frameshift variant.
Genome position (GRCh38, 1-based): chr1:7,663,385, A deleted. VCF-style (leftmost placement, unchanged base first): chr1-7663384-CA-C. GRCh37 (hg19) VCF-style: chr1-7723444-CA-C.
Other names: c.748del, p.Ser250fs (NM_001349608.2, NM_001349612.2); c.838del, p.Ser280fs (NM_001349609.2, NM_001349610.2); c.838del (NM_015215.3); short protein forms S250fs, S280fs.
Identifiers: ClinVar variation 422992 (VCV000422992.10), dbSNP rs1064796146, ClinGen allele CA16617187.
Genomic context (GRCh38, chr1:7,663,384, plus strand): 5'-GTGCGCGTGTTGTGTTCCGATCTCCGCAGGAGCTGGCGGCAGCGTGCATCACAAGTGTAA[CA>C]GCGCCAAACACCGCATCATCTCGCCCAAGGTGGAGCCACGGACAGGGGGGTACGGGAGCC-3'

ClinVar aggregate classification (germline): Pathogenic/Likely pathogenic. Review status: criteria provided, multiple submitters, no conflicts (2 of 4 stars). 3 submissions from 3 submitters: Pathogenic (1); Likely pathogenic (1). 1 of the submissions does not count toward it. Last evaluated 2018-02-24.

Conditions:
Cerebellar dysfunction with variable cognitive and behavioral abnormalities (CECBA). Also called: Nonprogressive cerebellar atxia with intellectual disability. Identifiers: Orphanet 314647, MedGen C3553661, MONDO:0013886, OMIM 614756.

Submissions (3):

Labcorp Genetics (formerly Invitae), Labcorp
Classification: Pathogenic. Last evaluated: 2018-02-24. Review status: criteria provided, single submitter. Criteria: Invitae Variant Classification Sherloc (09022015). Collection method: clinical testing. Allele origin: germline.
Comment: For these reasons, this variant has been classified as Pathogenic. Loss-of-function variants in CAMTA1 are known to be pathogenic (PMID: 22693284). This variant has not been reported in the literature in individuals with CAMTA1-related disease. ClinVar contains an entry for this variant (Variation ID: 422992). This variant is not present in population databases (ExAC no frequency). This sequence change creates a premature translational stop signal (p.Ser280Alafs*110) in the CAMTA1 gene. It is expected to result in an absent or disrupted protein product.

GeneDx
Classification: Likely pathogenic. Last evaluated: 2017-01-18. Review status: criteria provided, single submitter. Criteria: GeneDx Variant Classification (06012015). Collection method: clinical testing. Allele origin: germline. Affected: yes.
Comment: The c.838delA variant in the CAMTA1 gene has not been reported previously as a pathogenic variant nor as a benign variant, to our knowledge. The c.838delA variant causes a frameshift starting with codon Serine 280, changes this amino acid to an Alanine residue, and creates a premature Stop codon at position 110 of the new reading frame, denoted p.Ser280AlafsX110. This variant is predicted to cause loss of normal protein function either through protein truncation or nonsense-mediated mRNA decay. The c.838delA variant was not observed in approximately 6500 individuals of European and African American ancestry in the NHLBI Exome Sequencing Project, indicating it is not a common benign variant in these populations. We interpret c.838delA as a likely pathogenic variant.

OMIM
Classification: Pathogenic for CEREBELLAR DYSFUNCTION WITH VARIABLE COGNITIVE AND BEHAVIORAL ABNORMALITIES. Last evaluated: 2022-02-24. Review status: no assertion criteria provided. Collection method: literature only. Allele origin: germline. Not counted in ClinVar's aggregate classification.

Literature cited by the submitters: PubMed 22693284 (cited by Labcorp Genetics (formerly Invitae), Labcorp); PubMed 33131045 (cited by OMIM).